The following is an entry in ClinVar:

NM_003738.5(PTCH2):c.449A>G (p.Tyr150Cys)

Gene: PTCH2 (patched 2; minus strand). Cytogenetic location: 1p34.1.
Variant type: single nucleotide variant.
Coding change: c.449A>G on transcript NM_003738.5 (MANE Select); coding-DNA position 449, A replaced by G.
Protein change: p.Tyr150Cys; replaces tyrosine 150 with cysteine.
Molecular consequence: missense variant.
Genome position (GRCh38, 1-based): chr1:44,832,158, T>C on the plus strand (A>G on the coding strand, the complement: PTCH2 is on the minus strand). VCF-style: chr1-44832158-T-C. GRCh37 (hg19) VCF-style: chr1-45297830-T-C.
Other names: c.449A>G, p.Tyr150Cys (NM_001166292.2); short protein forms Y150C.
Identifiers: ClinVar variation 3696821 (VCV003696821.2).
Genomic context (GRCh38, chr1:44,832,158, plus strand): 5'-GAACCCCCACAGCACGCCTCGCCCCCAGCTGCTCAGGGGCTCAGCCAGACTCACTTCCCA[T>C]AGAGTGATACTTGGACTTTACTGGCAGTGAGGGCTGCCTGGAGGTGGAGGCCAAGTGCTT-3'
Protein context (NP_003729.3, residues 140-160): LTASKVQVSL[Tyr150Cys]GKSWDLNKIC

ClinVar aggregate classification (germline): Uncertain significance (1 of 4 stars; one submission).

Conditions:
Gorlin syndrome. Also called: Basal cell nevus syndrome; Nevoid Basal Cell Carcinoma Syndrome. Identifiers: Orphanet 377, MedGen C0004779, MONDO:0007187.

Submission:

Labcorp Genetics (formerly Invitae), Labcorp
Classification: Uncertain significance for Gorlin syndrome. Last evaluated: 2024-04-14. Review status: criteria provided, single submitter. Criteria: Invitae Variant Classification Sherloc (09022015). Collection method: clinical testing. Allele origin: germline.
Comment: This sequence change replaces tyrosine, which is neutral and polar, with cysteine, which is neutral and slightly polar, at codon 150 of the PTCH2 protein (p.Tyr150Cys). This variant is not present in population databases (gnomAD no frequency). This variant has not been reported in the literature in individuals affected with PTCH2-related conditions. Advanced modeling of protein sequence and biophysical properties (such as structural, functional, and spatial information, amino acid conservation, physicochemical variation, residue mobility, and thermodynamic stability) performed at Invitae indicates that this missense variant is not expected to disrupt PTCH2 protein function with a negative predictive value of 80%. In summary, the available evidence is currently insufficient to determine the role of this variant in disease. Therefore, it has been classified as a Variant of Uncertain Significance.